The following is an entry in ClinVar:

NM_001142854.2(SPATC1L):c.691G>A (p.Glu231Lys)

Gene: SPATC1L (spermatogenesis and centriole associated 1 like; minus strand). Cytogenetic location: 21q22.3.
Variant type: single nucleotide variant.
Coding change: c.691G>A on transcript NM_001142854.2 (MANE Select); coding-DNA position 691, G replaced by A.
Protein change: p.Glu231Lys; replaces glutamic acid 231 with lysine.
Molecular consequence: missense variant.
Genome position (GRCh38, 1-based): chr21:46,161,921, C>T on the plus strand (G>A on the coding strand, the complement: SPATC1L is on the minus strand). VCF-style: chr21-46161921-C-T. GRCh37 (hg19) VCF-style: chr21-47581835-C-T.
Other names: c.229G>A, p.Glu77Lys (NM_032261.5); short protein forms E231K, E77K.
Identifiers: ClinVar variation 403469 (VCV000403469.7), dbSNP rs113710653, ClinGen allele CA10074308.
Genomic context (GRCh38, chr21:46,161,921, plus strand): 5'-GGGACGGACCGAGCGCCCCGCACCCTCCTGGCCGCGCCCTCCCCACGGGGCGCACCTGCT[C>T]GATCTTCTCGGGGATGTTGGCCACCGTGAAGCCGTAGAGCCGCGTCACGCCCGGGAACAC-3'
Protein context (NP_001136326.1, residues 221-241): FTVANIPEKI[Glu231Lys]QTSTKSLDGS

ClinVar aggregate classification (germline): Benign. Review status: criteria provided, multiple submitters, no conflicts (2 of 4 stars). 3 submissions from 3 submitters: Benign (3). Last evaluated 2019-01-11.

Allele frequency attached by ClinVar (database versions not stated): ESP Exome Variant Server 0.06291; gnomAD exomes 0.06477; ExAC 0.07411; 1000 Genomes Project 30x 0.03982; 1000 Genomes Project 0.04054; TOPMed 0.05618; gnomAD 0.06083 and 0.06164.
gnomAD v4.1: 121,449 of 1,605,954 alleles (7.6%); highest among the groups gnomAD compares: Non-Finnish European, 8.4%; 5,497 homozygotes.

Submissions (3):

GeneDx
Classification: Benign. Last evaluated: 2019-01-11. Review status: criteria provided, single submitter. Criteria: GeneDx Variant Classification Process June 2021. Collection method: clinical testing. Allele origin: germline. Affected: yes.
Comment: This variant is associated with the following publications: (PMID: 30177775, 28339009)

Laboratory for Molecular Medicine, Mass General Brigham Personalized Medicine
Classification: Benign. Last evaluated: 2016-03-28. Review status: criteria provided, single submitter. Criteria: LMM Criteria. Collection method: clinical testing. Allele origin: germline.
Comment: Variant identified in a genome or exome case(s) and assessed due to predicted null impact of the variant or pathogenic assertions in the literature or databases. Disclaimer: This variant has not undergone full assessment. The following are preliminary notes: Frequency

Breakthrough Genomics
Classification: Benign. Review status: criteria provided, single submitter. Criteria: ACMG Guidelines, 2015. Collection method: not provided. Allele origin: germline. Inheritance: Unknown mechanism. Affected: yes.